The following is an entry in ClinVar:

ClinVar aggregate classification (germline): Uncertain significance (1 of 4 stars; one submission).

Conditions:
Alpha thalassemia-X-linked intellectual disability syndrome (ATRX). Also called: ALPHA-THALASSEMIA/MENTAL RETARDATION SYNDROME, X-LINKED; ATR, NONDELETION TYPE; ATR-X syndrome; Alpha thalassemia mental retardation syndrome, nondeletion type, X-linked; XLMR hypotonic face syndrome; X-linked alpha-thalassemia-mental retardation syndrome. Identifiers: Orphanet 847, MedGen C1845055, MONDO:0010519, OMIM 301040.

Submission:

Labcorp Genetics (formerly Invitae), Labcorp
Classification: Uncertain significance for Alpha thalassemia-X-linked intellectual disability syndrome. Last evaluated: 2024-02-07. Review status: criteria provided, single submitter. Criteria: Invitae Variant Classification Sherloc (09022015). Collection method: clinical testing. Allele origin: germline.
Comment: This sequence change replaces methionine, which is neutral and non-polar, with leucine, which is neutral and non-polar, at codon 1635 of the ATRX protein (p.Met1635Leu). This variant is not present in population databases (gnomAD no frequency). This variant has not been reported in the literature in individuals affected with ATRX-related conditions. Advanced modeling of protein sequence and biophysical properties (such as structural, functional, and spatial information, amino acid conservation, physicochemical variation, residue mobility, and thermodynamic stability) performed at Invitae indicates that this missense variant is not expected to disrupt ATRX protein function with a negative predictive value of 95%. In summary, the available evidence is currently insufficient to determine the role of this variant in disease. Therefore, it has been classified as a Variant of Uncertain Significance.

NM_000489.6(ATRX):c.4903A>T (p.Met1635Leu)

Gene: ATRX (ATRX chromatin remodeler; minus strand). Cytogenetic location: Xq21.1.
Variant type: single nucleotide variant.
Coding change: c.4903A>T on transcript NM_000489.6 (MANE Select); coding-DNA position 4903, A replaced by T.
Protein change: p.Met1635Leu; replaces methionine 1635 with leucine.
Molecular consequence: missense variant.
Genome position (GRCh38, 1-based): chrX:77,633,619, T>A on the plus strand (A>T on the coding strand, the complement: ATRX is on the minus strand). VCF-style: chrX-77633619-T-A. GRCh37 (hg19) VCF-style: chrX-76889107-T-A.
Other names: c.4789A>T, p.Met1597Leu (NM_138270.5); short protein forms M1597L, M1635L.
Identifiers: ClinVar variation 3634984 (VCV003634984.2).